The following is an entry in ClinVar:

NM_001711.6(BGN):c.301G>A (p.Asp101Asn)

Gene: BGN (biglycan; plus strand). Cytogenetic location: Xq28.
Variant type: single nucleotide variant.
Coding change: c.301G>A on transcript NM_001711.6 (MANE Select); coding-DNA position 301, G replaced by A.
Protein change: p.Asp101Asn; replaces aspartic acid 101 with asparagine.
Molecular consequence: missense variant.
Genome position (GRCh38, 1-based): chrX:153,505,300, G>A. VCF-style: chrX-153505300-G-A. GRCh37 (hg19) VCF-style: chrX-152770758-G-A.
Other names: c.301G>A (NM_001711.4); short protein forms D101N.
Identifiers: ClinVar variation 1387894 (VCV001387894.8), dbSNP rs782462887, ClinGen allele CA10547186.

ClinVar aggregate classification (germline): Uncertain significance. Review status: criteria provided, multiple submitters, no conflicts (2 of 4 stars). 2 submissions from 2 submitters: Uncertain significance (2). Last evaluated 2025-09-28.

Conditions:
Cardiovascular phenotype. Identifiers: MedGen CN230736.

Allele frequency attached by ClinVar (database versions not stated): ExAC 0.00001; gnomAD 0.00001; gnomAD exomes 0.00001 and 0.00002; TOPMed 0.00002.

Submissions (2):

Labcorp Genetics (formerly Invitae), Labcorp
Classification: Uncertain significance. Last evaluated: 2025-09-28. Review status: criteria provided, single submitter. Criteria: Invitae Variant Classification Sherloc (09022015). Collection method: clinical testing. Allele origin: germline.
Comment: This sequence change replaces aspartic acid, which is acidic and polar, with asparagine, which is neutral and polar, at codon 101 of the BGN protein (p.Asp101Asn). This variant is present in population databases (rs782462887, gnomAD 0.02%). This variant has not been reported in the literature in individuals affected with BGN-related conditions. ClinVar contains an entry for this variant (Variation ID: 1387894). Invitae Evidence Modeling of protein sequence and biophysical properties (such as structural, functional, and spatial information, amino acid conservation, physicochemical variation, residue mobility, and thermodynamic stability) indicates that this missense variant is not expected to disrupt BGN protein function with a negative predictive value of 80%. In summary, the available evidence is currently insufficient to determine the role of this variant in disease. Therefore, it has been classified as a Variant of Uncertain Significance.

Ambry Genetics
Classification: Uncertain significance for Cardiovascular phenotype. Last evaluated: 2024-05-30. Review status: criteria provided, single submitter. Criteria: Ambry Variant Classification Scheme 2023. Collection method: clinical testing. Allele origin: germline.
Comment: The p.D101N variant (also known as c.301G>A), located in coding exon 2 of the BGN gene, results from a G to A substitution at nucleotide position 301. The aspartic acid at codon 101 is replaced by asparagine, an amino acid with highly similar properties. This amino acid position is conserved. In addition, this alteration is predicted to be tolerated by in silico analysis. Based on the available evidence, the clinical significance of this variant remains unclear.